The following is an entry in ClinVar:

ClinVar aggregate classification (germline): Uncertain significance (1 of 4 stars; one submission).

Conditions:
Catecholaminergic polymorphic ventricular tachycardia 1. Also called: RYR2-Related Catecholaminergic Polymorphic Ventricular Tachycardia; VENTRICULAR TACHYCARDIA, CATECHOLAMINERGIC POLYMORPHIC, 1, WITH OR WITHOUT ATRIAL DYSFUNCTION AND/OR DILATED CARDIOMYOPATHY; VENTRICULAR TACHYCARDIA, STRESS-INDUCED POLYMORPHIC 1. Identifiers: Orphanet 3286, MedGen C1631597, MONDO:0011484, OMIM 604772.

Submission:

Labcorp Genetics (formerly Invitae), Labcorp
Classification: Uncertain significance for Catecholaminergic polymorphic ventricular tachycardia 1. Last evaluated: 2023-04-06. Review status: criteria provided, single submitter. Criteria: Invitae Variant Classification Sherloc (09022015). Collection method: clinical testing. Allele origin: germline.
Comment: This sequence change replaces glycine, which is neutral and non-polar, with valine, which is neutral and non-polar, at codon 1444 of the RYR2 protein (p.Gly1444Val). This variant is not present in population databases (gnomAD no frequency). In summary, the available evidence is currently insufficient to determine the role of this variant in disease. Therefore, it has been classified as a Variant of Uncertain Significance. Advanced modeling of protein sequence and biophysical properties (such as structural, functional, and spatial information, amino acid conservation, physicochemical variation, residue mobility, and thermodynamic stability) performed at Invitae indicates that this missense variant is expected to disrupt RYR2 protein function. This variant has not been reported in the literature in individuals affected with RYR2-related conditions.

NM_001035.3(RYR2):c.4331G>T (p.Gly1444Val)

Gene: RYR2 (ryanodine receptor 2; plus strand). Cytogenetic location: 1q43.
Variant type: single nucleotide variant.
Coding change: c.4331G>T on transcript NM_001035.3 (MANE Select); coding-DNA position 4331, G replaced by T.
Protein change: p.Gly1444Val; replaces glycine 1444 with valine.
Molecular consequence: missense variant.
Genome position (GRCh38, 1-based): chr1:237,593,531, G>T. VCF-style: chr1-237593531-G-T. GRCh37 (hg19) VCF-style: chr1-237756831-G-T.
Other names: short protein forms G1444V.
Identifiers: ClinVar variation 2893488 (VCV002893488.3), dbSNP rs2546638458, ClinGen allele CA345399753.